The following is an entry in ClinVar:

ClinVar aggregate classification (germline): Uncertain significance (1 of 4 stars; one submission).

gnomAD v4.1: 3 of 1,613,638 alleles (0.00019%); highest among the groups gnomAD compares: Non-Finnish European, 0.00025%; no homozygotes.

Submission:

Ambry Genetics
Classification: Uncertain significance. Last evaluated: 2024-12-06. Review status: criteria provided, single submitter. Criteria: Ambry Variant Classification Scheme 2023. Collection method: clinical testing. Allele origin: germline.
Comment: The p.P561S variant (also known as c.1681C>T), located in coding exon 2 of the CDK12 gene, results from a C to T substitution at nucleotide position 1681. The proline at codon 561 is replaced by serine, an amino acid with similar properties. This amino acid position is conserved. In addition, this alteration is predicted to be tolerated by in silico analysis. Based on the available evidence, the clinical significance of this variant remains unclear.

NM_016507.4(CDK12):c.1681C>T (p.Pro561Ser)

Gene: CDK12 (cyclin dependent kinase 12; plus strand). Cytogenetic location: 17q12.
Variant type: single nucleotide variant.
Coding change: c.1681C>T on transcript NM_016507.4 (MANE Select); coding-DNA position 1681, C replaced by T.
Protein change: p.Pro561Ser; replaces proline 561 with serine.
Molecular consequence: missense variant.
Genome position (GRCh38, 1-based): chr17:39,471,513, C>T. VCF-style: chr17-39471513-C-T. GRCh37 (hg19) VCF-style: chr17-37627766-C-T.
Other names: c.1681C>T, p.Pro561Ser (NM_015083.4); short protein forms P561S.
Identifiers: ClinVar variation 3489363 (VCV003489363.1).